The following is an entry in ClinVar:

NM_006767.4(LZTR1):c.323C>T (p.Ala108Val)

Gene: LZTR1 (leucine zipper like post translational regulator 1; plus strand). Cytogenetic location: 22q11.21.
Variant type: single nucleotide variant.
Coding change: c.323C>T on transcript NM_006767.4 (MANE Select); coding-DNA position 323, C replaced by T.
Protein change: p.Ala108Val; replaces alanine 108 with valine.
Molecular consequence: missense variant.
Genome position (GRCh38, 1-based): chr22:20,987,506, C>T. VCF-style: chr22-20987506-C-T. GRCh37 (hg19) VCF-style: chr22-21341795-C-T.
Other names: short protein forms A108V.
Identifiers: ClinVar variation 3869286 (VCV003869286.2).
Genomic context (GRCh38, chr22:20,987,506, plus strand): 5'-GGGTGTGGACCTCATGGGTGACCCCCGCTGACTCTCACCACCCCTGTGCCCACCCCAGGG[C>T]CTTTACCACTGGGACCCCACCGGCCCCCCGTTACCACCACTCGGCCGTCGTCTATGGGAG-3'
Protein context (NP_006758.2, residues 98-118): FDVKDCSWCR[Ala108Val]FTTGTPPAPR

ClinVar aggregate classification (germline): Uncertain significance. Review status: criteria provided, multiple submitters, no conflicts (2 of 4 stars). 2 submissions from 2 submitters: Uncertain significance (2). Last evaluated 2025-11-03.

Conditions:
Cardiovascular phenotype. Identifiers: MedGen CN230736.
Hereditary cancer-predisposing syndrome. Also called: Tumor predisposition; Neoplastic Syndromes, Hereditary; Hereditary Cancer Syndrome; Hereditary neoplastic syndrome. Identifiers: Orphanet 140162, MedGen C0027672, MeSH D009386, MONDO:0015356.
LZTR1-related disorder. Also called: LZTR1-related disorders; LZTR1-related condition.

gnomAD v4.1: 1 of 1,610,816 alleles (0.000062%); highest among the groups gnomAD compares: Non-Finnish European, 0.000085%; no homozygotes.

Submissions (2):

PreventionGenetics, part of Exact Sciences
Classification: Uncertain significance for LZTR1-related condition. Last evaluated: 2025-11-03. Review status: criteria provided, single submitter. Criteria: ACMG Guidelines, 2015. Collection method: clinical testing. Allele origin: germline.
Comment: The LZTR1 c.323C>T variant is predicted to result in the amino acid substitution p.Ala108Val. To our knowledge, this variant has not been reported in the literature or in a large population database (gnomAD), indicating this variant is rare. Although we suspect that this variant may be pathogenic, at this time, the clinical significance of this variant is uncertain due to the absence of conclusive functional and genetic evidence.

Ambry Genetics
Classification: Uncertain significance for Cardiovascular phenotype; Hereditary cancer-predisposing syndrome. Last evaluated: 2025-01-03. Review status: criteria provided, single submitter. Criteria: Ambry Variant Classification Scheme 2023. Collection method: clinical testing. Allele origin: germline.
Comment: The p.A108V variant (also known as c.323C>T), located in coding exon 4 of the LZTR1 gene, results from a C to T substitution at nucleotide position 323. The alanine at codon 108 is replaced by valine, an amino acid with similar properties. This amino acid position is conserved. In addition, the in silico prediction for this alteration is inconclusive. Based on the available evidence, the clinical significance of this variant remains unclear.